The following is an entry in ClinVar:

ClinVar aggregate classification (germline): Uncertain significance (1 of 4 stars; one submission).

Conditions:
Familial intrahepatic cholestasis. Identifiers: Orphanet 284385, MedGen CN296401, MONDO:0017290.

gnomAD v4.1: 1 of 1,608,692 alleles (0.000062%); highest among the groups gnomAD compares: Non-Finnish European, 0.000085%; no homozygotes.

Submission:

Genomenon, Inc
Classification: Uncertain significance for Familial intrahepatic cholestasis. Last evaluated: 2026-04-14. Review status: criteria provided, single submitter. Criteria: Genomenon Sequence Variant Interpretation Standards - Updated. Collection method: curation. Allele origin: germline. Affected: yes.
Comment: ABCB11 p.Val425Met (c.1273G>A) is a missense variant that changes the amino acid at residue 425 from Valine to Methionine. This variant has been observed in at least one proband with an ABCB11-related disorder (PMID:35780807). It is absent or not present at a significant frequency in gnomAD. In silico models predict that this variant is possibly or probably damaging. In conclusion, we classify ABCB11 p.Val425Met (c.1273G>A) as a variant of uncertain significance.

Literature cited by the submitters: PubMed 35780807.

NM_003742.4(ABCB11):c.1273G>A (p.Val425Met)

Gene: ABCB11 (ATP binding cassette subfamily B member 11; minus strand). Cytogenetic location: 2q31.1.
Variant type: single nucleotide variant.
Coding change: c.1273G>A on transcript NM_003742.4 (MANE Select); coding-DNA position 1273, G replaced by A.
Protein change: p.Val425Met; replaces valine 425 with methionine.
Molecular consequence: missense variant.
Genome position (GRCh38, 1-based): chr2:168,976,612, C>T on the plus strand (G>A on the coding strand, the complement: ABCB11 is on the minus strand). VCF-style: chr2-168976612-C-T. GRCh37 (hg19) VCF-style: chr2-169833122-C-T.
Other names: short protein forms V425M.
Identifiers: ClinVar variation 4846201 (VCV004846201.1).